The following is an entry in ClinVar:

NM_000038.6(APC):c.5162G>T (p.Gly1721Val)

Gene: APC (APC regulator of Wnt signaling pathway; plus strand). Cytogenetic location: 5q22.2.
Variant type: single nucleotide variant.
Coding change: c.5162G>T on transcript NM_000038.6 (MANE Select); coding-DNA position 5162, G replaced by T.
Protein change: p.Gly1721Val; replaces glycine 1721 with valine.
Molecular consequence: missense variant.
Genome position (GRCh38, 1-based): chr5:112,840,756, G>T. VCF-style: chr5-112840756-G-T. GRCh37 (hg19) VCF-style: chr5-112176453-G-T.
Other names: c.5162G>T, p.Gly1721Val (NM_001127510.3, NM_001354895.2); c.5108G>T, p.Gly1703Val (NM_001127511.3); c.5216G>T, p.Gly1739Val (NM_001354896.2); c.5192G>T, p.Gly1731Val (NM_001354897.2); c.5087G>T, p.Gly1696Val (NM_001354898.2); c.5078G>T, p.Gly1693Val (NM_001354899.2); c.5039G>T, p.Gly1680Val (NM_001354900.2); c.4985G>T, p.Gly1662Val (NM_001354901.2); and 5 more; short protein forms G1721V, G1703V, G1438V, G1630V, G1696V, G1739V, G1561V, G1595V.
Identifiers: ClinVar variation 629228 (VCV000629228.5), dbSNP rs876660114, ClinGen allele CA16032616.

ClinVar aggregate classification (germline): Uncertain significance. Review status: criteria provided, multiple submitters, no conflicts (2 of 4 stars). 2 submissions from 2 submitters: Uncertain significance (2). Last evaluated 2021-02-26.

Conditions:
Hereditary cancer-predisposing syndrome. Also called: Neoplastic Syndromes, Hereditary; Tumor predisposition; Hereditary neoplastic syndrome; Hereditary Cancer Syndrome. Identifiers: Orphanet 140162, MedGen C0027672, MeSH D009386, MONDO:0015356.

Submissions (2):

Ambry Genetics
Classification: Uncertain significance for Hereditary cancer-predisposing syndrome. Last evaluated: 2021-02-26. Review status: criteria provided, single submitter. Criteria: Ambry Variant Classification Scheme 2023. Collection method: clinical testing. Allele origin: germline.
Comment: The p.G1721V variant (also known as c.5162G>T), located in coding exon 15 of the APC gene, results from a G to T substitution at nucleotide position 5162. The glycine at codon 1721 is replaced by valine, an amino acid with dissimilar properties. This amino acid position is well conserved in available vertebrate species. In addition, in silico predictors for this gene do not accurately predict pathogenicity. Since supporting evidence is limited at this time, the clinical significance of this alteration remains unclear.

Color Diagnostics, LLC DBA Color Health
Classification: Uncertain significance for Hereditary cancer-predisposing syndrome. Last evaluated: 2019-03-16. Review status: criteria provided, single submitter. Criteria: ACMG Guidelines, 2015. Collection method: clinical testing. Allele origin: germline.